The following is an entry in ClinVar:

ClinVar aggregate classification (germline): Likely pathogenic (1 of 4 stars; one submission).

Submission:

Dasa
Classification: Likely pathogenic. Last evaluated: 2025-06-03. Review status: criteria provided, single submitter. Criteria: DASA Assertion Criteria. Collection method: clinical testing. Allele origin: germline.
Comment: NM_173551.5(ANKS6):c.621del (p.Arg208Valfs*3) is a frameshift variant in ANKS6 predicted to alter the reading frame and introduce a premature termination codon and is predicted to result in an absent or altered protein product. Loss of function is an established disease mechanism for ANKS6-associated disorders. Also, this variant is absent from population databases. Based on the currently available evidence, this variant is classified as likely pathogenic.

NM_173551.5(ANKS6):c.621del (p.Arg208fs)

Gene: ANKS6 (ankyrin repeat and sterile alpha motif domain containing 6; minus strand). Cytogenetic location: 9q22.33.
Variant type: Deletion.
Coding change: c.621del on transcript NM_173551.5 (MANE Select); coding-DNA position 621, one base deleted (G; older notation c.621delG).
Protein change: p.Arg208fs; shifts the reading frame from arginine 208.
Molecular consequence: frameshift variant.
Genome position (GRCh38, 1-based): chr9:98,790,345, C deleted on the plus strand (G on the coding strand, the reverse complement: ANKS6 is on the minus strand). VCF-style (leftmost placement, unchanged base first): chr9-98790344-GC-G. GRCh37 (hg19) VCF-style: chr9-101552626-GC-G.
Other names: short protein forms R208fs.
Identifiers: ClinVar variation 4886446 (VCV004886446.2).